The following is an entry in ClinVar:

ClinVar aggregate classification (germline): Uncertain significance (1 of 4 stars; one submission).

Conditions:
Familial thoracic aortic aneurysm and aortic dissection (TAAD). Also called: Thoracic aortic aneurysms and dissections. Identifiers: Orphanet 91387, MedGen C4707243, MONDO:0019625.

gnomAD v4.1: 5 of 1,614,092 alleles (0.00031%); highest among the groups gnomAD compares: Non-Finnish European, 0.00042%; no homozygotes.

Submission:

Ambry Genetics
Classification: Uncertain significance for Familial thoracic aortic aneurysm and aortic dissection. Last evaluated: 2025-12-12. Review status: criteria provided, single submitter. Criteria: Ambry Variant Classification Scheme 2023. Collection method: clinical testing. Allele origin: germline.
Comment: The p.I1284T variant (also known as c.3851T>C), located in coding exon 30 of the FBN2 gene, results from a T to C substitution at nucleotide position 3851. The isoleucine at codon 1284 is replaced by threonine, an amino acid with similar properties. This amino acid position is highly conserved in available vertebrate species. In addition, this alteration is predicted to be deleterious by in silico analysis. Based on the available evidence, the clinical significance of this variant remains unclear.

NM_001999.4(FBN2):c.3851T>C (p.Ile1284Thr)

Gene: FBN2 (fibrillin 2; minus strand). Cytogenetic location: 5q23.3.
Variant type: single nucleotide variant.
Coding change: c.3851T>C on transcript NM_001999.4 (MANE Select); coding-DNA position 3851, T replaced by C.
Protein change: p.Ile1284Thr; replaces isoleucine 1284 with threonine.
Molecular consequence: missense variant.
Genome position (GRCh38, 1-based): chr5:128,335,292, A>G on the plus strand (T>C on the coding strand, the complement: FBN2 is on the minus strand). VCF-style: chr5-128335292-A-G. GRCh37 (hg19) VCF-style: chr5-127670984-A-G.
Other names: short protein forms I1284T.
Identifiers: ClinVar variation 4635381 (VCV004635381.1).